The following is an entry in ClinVar:

ClinVar aggregate classification (germline): Uncertain significance (1 of 4 stars; one submission).

Conditions:
Developmental and epileptic encephalopathy, 12 (DEE12). Identifiers: MedGen C3150988, MONDO:0013389, OMIM 613722.

gnomAD v4.1: 2 of 1,613,904 alleles (0.00012%); highest among the groups gnomAD compares: Middle Eastern, 0.016%; no homozygotes.

Submission:

Labcorp Genetics (formerly Invitae), Labcorp
Classification: Uncertain significance for Developmental and epileptic encephalopathy, 12. Last evaluated: 2021-09-27. Review status: criteria provided, single submitter. Criteria: Invitae Variant Classification Sherloc (09022015). Collection method: clinical testing. Allele origin: germline.
Comment: In summary, the available evidence is currently insufficient to determine the role of this variant in disease. Therefore, it has been classified as a Variant of Uncertain Significance. Algorithms developed to predict the effect of missense changes on protein structure and function (SIFT, PolyPhen-2, Align-GVGD) all suggest that this variant is likely to be tolerated. This variant has not been reported in the literature in individuals affected with PNKP-related conditions. This variant is not present in population databases (ExAC no frequency). This sequence change replaces valine with leucine at codon 41 of the PNKP protein (p.Val41Leu). The valine residue is moderately conserved and there is a small physicochemical difference between valine and leucine.

NM_007254.4(PNKP):c.121G>C (p.Val41Leu)

Gene: PNKP (polynucleotide kinase 3'-phosphatase; minus strand). Cytogenetic location: 19q13.33.
Variant type: single nucleotide variant.
Coding change: c.121G>C on transcript NM_007254.4 (MANE Select); coding-DNA position 121, G replaced by C.
Protein change: p.Val41Leu; replaces valine 41 with leucine.
Molecular consequence: missense variant.
Genome position (GRCh38, 1-based): chr19:49,867,084, C>G on the plus strand (G>C on the coding strand, the complement: PNKP is on the minus strand). VCF-style: chr19-49867084-C-G. GRCh37 (hg19) VCF-style: chr19-50370341-C-G.
Other names: short protein forms V41L.
Identifiers: ClinVar variation 1442748 (VCV001442748.6), dbSNP rs2074826079, ClinGen allele CA406893457.
Genomic context (GRCh38, chr19:49,867,084, plus strand): 5'-CACACCCCCTCCAGCTCAGGCCCCGCTCACCTTGAGTTCTGGAGCACTTCCGGTCCGTAA[C>G]CTGGGTCAGGGGTCCCCTGCCCAGGACCAGGGCTTGCCCGTCCGAGGGCAGGAAGATGGG-3'
Protein context (NP_009185.2, residues 31-51): LVLGRGPLTQ[Val41Leu]TDRKCSRTQV